The following is an entry in ClinVar:

ClinVar aggregate classification (germline): Likely pathogenic (1 of 4 stars; one submission).

Submission:

GeneDx
Classification: Likely pathogenic. Last evaluated: 2025-05-06. Review status: criteria provided, single submitter. Criteria: GeneDx Variant Classification Process June 2021. Collection method: clinical testing. Allele origin: germline. Affected: yes.
Comment: Not observed at significant frequency in large population cohorts (gnomAD); In silico analysis supports that this missense variant has a deleterious effect on protein structure/function; Has not been previously published as pathogenic or benign to our knowledge

NM_001375380.1(EBF3):c.184C>T (p.Leu62Phe)

Gene: EBF3 (EBF transcription factor 3; minus strand). Cytogenetic location: 10q26.3.
Variant type: single nucleotide variant.
Coding change: c.184C>T on transcript NM_001375380.1 (MANE Select); coding-DNA position 184, C replaced by T.
Protein change: p.Leu62Phe; replaces leucine 62 with phenylalanine.
Molecular consequence: missense variant.
Genome position (GRCh38, 1-based): chr10:129,963,474, G>A on the plus strand (C>T on the coding strand, the complement: EBF3 is on the minus strand). VCF-style: chr10-129963474-G-A. GRCh37 (hg19) VCF-style: chr10-131761738-G-A.
Other names: c.184C>T, p.Leu62Phe (NM_001005463.3, NM_001375379.1, NM_001375389.1 and 3 more transcripts); short protein forms L62F.
Identifiers: ClinVar variation 4527045 (VCV004527045.1).